The following is an entry in ClinVar:

NM_001271.4(CHD2):c.1757G>A (p.Arg586Lys)

Gene: CHD2 (chromodomain helicase DNA binding protein 2; plus strand). Cytogenetic location: 15q26.1.
Variant type: single nucleotide variant.
Coding change: c.1757G>A on transcript NM_001271.4 (MANE Select); coding-DNA position 1757, G replaced by A.
Protein change: p.Arg586Lys; replaces arginine 586 with lysine.
Molecular consequence: missense variant.
Genome position (GRCh38, 1-based): chr15:92,955,460, G>A. VCF-style: chr15-92955460-G-A. GRCh37 (hg19) VCF-style: chr15-93498690-G-A.
Other names: short protein forms R586K.
Identifiers: ClinVar variation 1218022 (VCV001218022.11), dbSNP rs2141814855, ClinGen allele CA393905597.

ClinVar aggregate classification (germline): Uncertain significance. Review status: criteria provided, multiple submitters, no conflicts (2 of 4 stars). 2 submissions from 2 submitters: Uncertain significance (2). Last evaluated 2022-08-15.

Conditions:
Developmental and epileptic encephalopathy 94 (DEE94). Also called: Epileptic encephalopathy, childhood-onset; CHD2-Related Neurodevelopmental Disorders. Identifiers: Orphanet 1942, Orphanet 2382, MedGen C3809278, MONDO:0014150, OMIM 615369.

Allele frequency attached by ClinVar (database versions not stated): gnomAD exomes below 0.00001.
gnomAD v4.1: 2 of 1,598,050 alleles (0.00013%); highest among the groups gnomAD compares: Non-Finnish European, 0.00017%; no homozygotes.

Submissions (2):

Labcorp Genetics (formerly Invitae), Labcorp
Classification: Uncertain significance for Developmental and epileptic encephalopathy 94. Last evaluated: 2022-08-15. Review status: criteria provided, single submitter. Criteria: Invitae Variant Classification Sherloc (09022015). Collection method: clinical testing. Allele origin: germline.
Comment: This variant has not been reported in the literature in individuals affected with CHD2-related conditions. This sequence change replaces arginine, which is basic and polar, with lysine, which is basic and polar, at codon 586 of the CHD2 protein (p.Arg586Lys). This variant is not present in population databases (gnomAD no frequency). ClinVar contains an entry for this variant (Variation ID: 1218022). Advanced modeling of protein sequence and biophysical properties (such as structural, functional, and spatial information, amino acid conservation, physicochemical variation, residue mobility, and thermodynamic stability) performed at Invitae indicates that this missense variant is not expected to disrupt CHD2 protein function. In summary, the available evidence is currently insufficient to determine the role of this variant in disease. Therefore, it has been classified as a Variant of Uncertain Significance.

GeneDx
Classification: Uncertain significance. Last evaluated: 2018-12-17. Review status: criteria provided, single submitter. Criteria: GeneDx Variant Classification Process June 2021. Collection method: clinical testing. Allele origin: germline. Affected: yes.
Comment: Not observed in large population cohorts (Lek et al., 2016); In silico analysis, which includes protein predictors and evolutionary conservation, supports that this variant does not alter protein structure/function; Has not been previously published as pathogenic or benign to our knowledge